The following is an entry in ClinVar:

NM_001042492.3(NF1):c.480-8C>G

Gene: NF1 (neurofibromin 1; plus strand). Cytogenetic location: 17q11.2.
Variant type: single nucleotide variant.
Coding change: c.480-8C>G on transcript NM_001042492.3 (MANE Select); 8 bases into the intron before coding-DNA position 480, C replaced by G.
Molecular consequence: intron variant.
Genome position (GRCh38, 1-based): chr17:31,169,883, C>G. VCF-style: chr17-31169883-C-G. GRCh37 (hg19) VCF-style: chr17-29496901-C-G.
Other names: c.480-8C>G (NM_000267.4, NM_001128147.3).
Identifiers: ClinVar variation 816722 (VCV000816722.10), dbSNP rs1597643692, ClinGen allele CA915949732.
Genomic context (GRCh38, chr17:31,169,883, plus strand): 5'-GGTGTGAGATACCACACCTGTCCCCTAATACTTAATTTGATAAGTTAATTTTGGTTTTTA[C>G]TTTTTAGGTTACAGGAATTAACTGTTTGTTCAGAAGACAATGTTGATGTTCATGATATAG-3'

ClinVar aggregate classification (germline): Pathogenic. Review status: criteria provided, multiple submitters, no conflicts (2 of 4 stars). 2 submissions from 2 submitters: Pathogenic (2). Last evaluated 2025-06-01.

Conditions:
Neurofibromatosis, type 1 (NF1). Also called: NEUROFIBROMATOSIS, TYPE I, SOMATIC; Peripheral type neurofibromatosis; Neurofibromatosis, type I; VON RECKLINGHAUSEN DISEASE. Identifiers: Orphanet 636, MedGen C0027831, MONDO:0018975, OMIM 162200. Disease mechanism: loss of function.

Submissions (2):

CeGaT Center for Human Genetics Tuebingen
Classification: Pathogenic. Last evaluated: 2025-06-01. Review status: criteria provided, single submitter. Criteria: CeGaT Center For Human Genetics Tuebingen Variant Classification Criteria Version 2. Collection method: clinical testing. Allele origin: germline. Affected: yes. Observed: 1 variant allele.
Comment: NF1: PVS1, PM2, PS4:Moderate

UAB Medical Genomics Laboratory, UAB Medicine
Classification: Pathogenic for Neurofibromatosis, type 1. Last evaluated: 2020-01-20. Review status: criteria provided, single submitter. Criteria: ACMG Guidelines, 2015. Collection method: clinical testing. Allele origin: germline. Affected: yes.

Literature cited by the submitters: PubMed 32126153 (cited by UAB Medical Genomics Laboratory, UAB Medicine).